The following is an entry in ClinVar:

ClinVar aggregate classification (germline): Uncertain significance (1 of 4 stars; one submission).

Conditions:
Pure or complex autosomal recessive spastic paraplegia. Identifiers: Orphanet 320346, MedGen C5679887, MONDO:0017915.

gnomAD v4.1: 5 of 1,614,030 alleles (0.00031%); highest among the groups gnomAD compares: Middle Eastern, 0.017%; no homozygotes.

Submission:

Labcorp Genetics (formerly Invitae), Labcorp
Classification: Uncertain significance for Pure or complex autosomal recessive spastic paraplegia. Last evaluated: 2025-11-19. Review status: criteria provided, single submitter. Criteria: Invitae Variant Classification Sherloc (09022015). Collection method: clinical testing. Allele origin: germline.
Comment: This sequence change replaces methionine, which is neutral and non-polar, with isoleucine, which is neutral and non-polar, at codon 706 of the ZFR protein (p.Met706Ile). This variant is not present in population databases (gnomAD no frequency). This variant has not been reported in the literature in individuals affected with ZFR-related conditions. Experimental studies and prediction algorithms are not available or were not evaluated, and the functional significance of this variant is currently unknown. In summary, the available evidence is currently insufficient to determine the role of this variant in disease. Therefore, it has been classified as a Variant of Uncertain Significance.

NM_016107.5(ZFR):c.2118G>A (p.Met706Ile)

Gene: ZFR (zinc finger RNA binding protein; minus strand). Cytogenetic location: 5p13.3.
Variant type: single nucleotide variant.
Coding change: c.2118G>A on transcript NM_016107.5 (MANE Select); coding-DNA position 2118, G replaced by A.
Protein change: p.Met706Ile; replaces methionine 706 with isoleucine.
Molecular consequence: missense variant. On other transcripts: non-coding transcript variant (1).
Genome position (GRCh38, 1-based): chr5:32,390,299, C>T on the plus strand (G>A on the coding strand, the complement: ZFR is on the minus strand). VCF-style: chr5-32390299-C-T. GRCh37 (hg19) VCF-style: chr5-32390405-C-T.
Other names: short protein forms M706I.
Identifiers: ClinVar variation 4721456 (VCV004721456.1).